The following is an entry in ClinVar:

ClinVar aggregate classification (germline): Uncertain significance. Review status: criteria provided, multiple submitters, no conflicts (2 of 4 stars). 2 submissions from 2 submitters: Uncertain significance (2). Last evaluated 2025-01-07.

Allele frequency attached by ClinVar (database versions not stated): gnomAD 0.00001; TOPMed 0.00001.
gnomAD v4.1: 17 of 1,613,770 alleles (0.0011%); highest among the groups gnomAD compares: Non-Finnish European, 0.0014%; no homozygotes.

Submissions (2):

Ambry Genetics
Classification: Uncertain significance. Last evaluated: 2025-01-07. Review status: criteria provided, single submitter. Criteria: Ambry Variant Classification Scheme 2023. Collection method: clinical testing. Allele origin: germline.

Labcorp Genetics (formerly Invitae), Labcorp
Classification: Uncertain significance. Last evaluated: 2023-10-03. Review status: criteria provided, single submitter. Criteria: Invitae Variant Classification Sherloc (09022015). Collection method: clinical testing. Allele origin: germline.
Comment: This sequence change replaces isoleucine, which is neutral and non-polar, with valine, which is neutral and non-polar, at codon 183 of the SSR3 protein (p.Ile183Val). This variant is present in population databases (rs757676113, gnomAD 0.002%). This variant has not been reported in the literature in individuals affected with SSR3-related conditions. ClinVar contains an entry for this variant (Variation ID: 2407912). An algorithm developed to predict the effect of missense changes on protein structure and function (PolyPhen-2) suggests that this variant is likely to be tolerated. In summary, the available evidence is currently insufficient to determine the role of this variant in disease. Therefore, it has been classified as a Variant of Uncertain Significance.

NM_007107.5(SSR3):c.508A>G (p.Ile170Val)

Gene: SSR3 (signal sequence receptor subunit 3; minus strand). Cytogenetic location: 3q25.31.
Variant type: single nucleotide variant.
Coding change: c.508A>G on transcript NM_007107.5 (MANE Select); coding-DNA position 508, A replaced by G.
Protein change: p.Ile170Val; replaces isoleucine 170 with valine.
Molecular consequence: missense variant.
Genome position (GRCh38, 1-based): chr3:156,543,253, T>C on the plus strand (A>G on the coding strand, the complement: SSR3 is on the minus strand). VCF-style: chr3-156543253-T-C. GRCh37 (hg19) VCF-style: chr3-156261042-T-C.
Other names: c.547A>G, p.Ile183Val (NM_001308197.2); c.352A>G, p.Ile118Val (NM_001308204.2, NM_001308205.2); short protein forms I118V, I170V, I183V.
Identifiers: ClinVar variation 2407912 (VCV002407912.6), dbSNP rs757676113, ClinGen allele CA2678517.